The following is an entry in ClinVar:

ClinVar aggregate classification (germline): Uncertain significance (1 of 4 stars; one submission).

Submission:

Laboratory for Molecular Medicine, Mass General Brigham Personalized Medicine
Classification: Uncertain significance. Last evaluated: 2015-07-06. Review status: criteria provided, single submitter. Criteria: LMM Criteria. Collection method: clinical testing. Allele origin: germline. Observed: 1 variant allele.
Comment: It was absent from large population studies. Computational prediction tools and conservation analysis do not provide strong support for or against an impact to the protein. In summary, the clinical significance of the p.Phe208Ile variant is uncertain.

NM_000363.5(TNNI3):c.622T>A (p.Phe208Ile)

Gene: TNNI3 (troponin I3, cardiac type; minus strand). Cytogenetic location: 19q13.42.
Variant type: single nucleotide variant.
Coding change: c.622T>A on transcript NM_000363.5 (MANE Select); coding-DNA position 622, T replaced by A.
Protein change: p.Phe208Ile; replaces phenylalanine 208 with isoleucine.
Molecular consequence: missense variant.
Genome position (GRCh38, 1-based): chr19:55,151,845, A>T on the plus strand (T>A on the coding strand, the complement: TNNI3 is on the minus strand). VCF-style: chr19-55151845-A-T. GRCh37 (hg19) VCF-style: chr19-55663213-A-T.
Other names: short protein forms F208I.
Identifiers: ClinVar variation 229334 (VCV000229334.5), dbSNP rs876658025, ClinGen allele CA10577113.